The following is an entry in ClinVar:

ClinVar aggregate classification (germline): Pathogenic (1 of 4 stars; one submission).

Conditions:
Phenylketonuria (PKU). Also called: FOLLING DISEASE; OLIGOPHRENIA PHENYLPYRUVICA; Phenylketonurias; Phenylketonuria (PKU). Identifiers: Orphanet 716, MedGen C0031485, MONDO:0009861, OMIM 261600. Disease mechanism: loss of function.

Submission:

Myriad Genetics, Inc.
Classification: Pathogenic for Phenylketonuria. Last evaluated: 2026-07-22. Review status: criteria provided, single submitter. Criteria: Myriad Autosomal Dominant, Autosomal Recessive and X-Linked Classification Criteria (2023). Collection method: clinical testing. Allele origin: unknown.
Comment: NM_000277.1(PAH):c.441delT(G148Vfs*47) is a frameshift variant classified as pathogenic in the context of phenylalanine hydroxylase deficiency. G148Vfs*47 has not been observed in cases with relevant disease. Relevant functional assessments of this variant are not available in the literature. G148Vfs*47 has not been observed in referenced population frequency databases. In summary, NM_000277.1(PAH):c.441delT(G148Vfs*47) is a frameshift variant in a gene where loss of function is a known mechanism of disease and is predicted to disrupt protein function. Please note: this variant was assessed in the context of healthy population screening.

NM_000277.3(PAH):c.441del (p.Gly148fs)

Gene: PAH (phenylalanine hydroxylase; minus strand). Cytogenetic location: 12q23.2.
Variant type: Deletion.
Coding change: c.441del on transcript NM_000277.3 (MANE Select); coding-DNA position 441, one base deleted (T; older notation c.441delT).
Protein change: p.Gly148fs; shifts the reading frame from glycine 148.
Molecular consequence: frameshift variant.
Genome position (GRCh38, 1-based): chr12:102,877,462, A deleted on the plus strand (T on the coding strand, the reverse complement: PAH is on the minus strand). VCF-style (leftmost placement, unchanged base first): chr12-102877461-CA-C. GRCh37 (hg19) VCF-style: chr12-103271239-CA-C.
Other names: c.441del, p.Gly148fs (NM_001354304.2); short protein forms G148fs.
Identifiers: ClinVar variation 5004796 (VCV005004796.1).
Genomic context (GRCh38, chr12:102,877,461, plus strand): 5'-GAAGGGAGGGGAGTGGAGGAGAGGCACTGAAAAAATCTCATCCTACGGGCCATGGACTCA[CA>C]GGGTGGTCAGCATCCAGTTCCGCTCCATAGCTGAGAATCTGATTGGCAAATCTGTCCAGC-3'